The following is an entry in ClinVar:

ClinVar aggregate classification (germline): Pathogenic. Review status: reviewed by expert panel (3 of 4 stars). 6 submissions from 6 submitters: Pathogenic (1). 5 of the submissions do not count toward it. Last evaluated 2017-12-15.

Conditions:
Hereditary cancer-predisposing syndrome. Also called: Hereditary Cancer Syndrome; Neoplastic Syndromes, Hereditary; Tumor predisposition; Hereditary neoplastic syndrome. Identifiers: Orphanet 140162, MedGen C0027672, MeSH D009386, MONDO:0015356.
Breast-ovarian cancer, familial, susceptibility to, 2 (BROVCA2). Also called: BRCA2 Hereditary Breast and Ovarian Cancer. Identifiers: Orphanet 145, MedGen C2675520, MONDO:0012933, OMIM 612555. Disease mechanism: loss of function.
Hereditary breast ovarian cancer syndrome. Also called: Hereditary breast and/or ovarian cancer syndrome; BRCA1- and BRCA2-Associated Hereditary Breast and Ovarian Cancer; Hereditary breast and ovarian cancer syndrome (HBOC); Hereditary breast and ovarian cancer; Hereditary breast and ovarian cancer syndrome; Breast and ovarian cancer. Identifiers: Orphanet 145, MedGen C0677776, MeSH D061325, MONDO:0003582. Disease mechanism: loss of function.

Submissions (6):

Evidence-based Network for the Interpretation of Germline Mutant Alleles (ENIGMA)
Classification: Pathogenic for Breast-ovarian cancer, familial, susceptibility to, 2. Last evaluated: 2017-12-15. Review status: reviewed by expert panel. Criteria: ENIGMA BRCA1/2 Classification Criteria (2017-06-29). Collection method: curation. Allele origin: germline. Study: ENIGMA.
Comment: Variant allele predicted to encode a truncated non-functional protein.

Labcorp Genetics (formerly Invitae), Labcorp
Classification: Pathogenic for Hereditary breast ovarian cancer syndrome. Last evaluated: 2025-06-06. Review status: criteria provided, single submitter. Criteria: Invitae Variant Classification Sherloc (09022015). Collection method: clinical testing. Allele origin: germline. Not counted in ClinVar's aggregate classification.
Comment: This sequence change creates a premature translational stop signal (p.Lys586*) in the BRCA2 gene. It is expected to result in an absent or disrupted protein product. Loss-of-function variants in BRCA2 are known to be pathogenic (PMID: 20104584). This variant is not present in population databases (gnomAD no frequency). This variant has not been reported in the literature in individuals affected with BRCA2-related conditions. ClinVar contains an entry for this variant (Variation ID: 231643). For these reasons, this variant has been classified as Pathogenic.

Ambry Genetics
Classification: Pathogenic for Hereditary cancer-predisposing syndrome. Last evaluated: 2025-03-20. Review status: criteria provided, single submitter. Criteria: Ambry Variant Classification Scheme 2023. Collection method: clinical testing. Allele origin: germline. Not counted in ClinVar's aggregate classification.
Comment: The p.K586* pathogenic mutation (also known as c.1756A>T), located in coding exon 9 of the BRCA2 gene, results from an A to T substitution at nucleotide position 1756. This changes the amino acid from a lysine to a stop codon within coding exon 9. This variant is considered to be rare based on population cohorts in the Genome Aggregation Database (gnomAD). This alteration is expected to result in loss of function by premature protein truncation or nonsense-mediated mRNA decay. As such, this alteration is interpreted as a disease-causing mutation.

Women's Health and Genetics/Laboratory Corporation of America, LabCorp
Classification: Pathogenic for Hereditary breast ovarian cancer syndrome. Last evaluated: 2022-05-23. Review status: criteria provided, single submitter. Criteria: LabCorp Variant Classification Summary - May 2015. Collection method: clinical testing. Allele origin: germline. Not counted in ClinVar's aggregate classification.
Comment: Variant summary: BRCA2 c.1756A>T (p.Lys586X) results in a premature termination codon, predicted to cause a truncation of the encoded protein or absence of the protein due to nonsense mediated decay, which are commonly known mechanisms for disease. Truncations downstream of this position have been classified as pathogenic by our laboratory. The variant was absent in 249898 control chromosomes. To our knowledge, no occurrence of c.1756A>T in individuals affected with Hereditary Breast And Ovarian Cancer Syndrome has been reported. Four clinical diagnostic laboratories and one expert panel have submitted clinical-significance assessments for this variant to ClinVar after 2014 without evidence for independent evaluation. All classified the variant as pathogenic. Based on the evidence outlined above, the variant was classified as pathogenic.

Quest Diagnostics Nichols Institute San Juan Capistrano
Classification: Pathogenic. Last evaluated: 2021-09-21. Review status: criteria provided, single submitter. Criteria: Quest Diagnostics criteria. Collection method: clinical testing. Allele origin: unknown. Not counted in ClinVar's aggregate classification.
Comment: This nonsense variant causes the premature termination of BRCA2 protein synthesis. The variant has not been reported in the published literature. Based on the available information, this variant is classified as pathogenic.

GeneDx
Classification: Pathogenic. Last evaluated: 2017-12-19. Review status: criteria provided, single submitter. Criteria: GeneDx Variant Classification (06012015). Collection method: clinical testing. Allele origin: germline. Affected: yes. Not counted in ClinVar's aggregate classification.
Comment: This variant is denoted BRCA2 c.1756A>T at the cDNA level and p.Lys586Ter (K586X) at the protein level. The substitution creates a nonsense variant, which changes a Lysine to a premature stop codon (AAA>TAA), and is predicted to cause loss of normal protein function through either protein truncation or nonsense-mediated mRNA decay. Although this variant has not, to our knowledge, been reported in the literature, it is considered pathogenic.

Literature cited by the submitters: PubMed 20104584 (cited by Labcorp Genetics (formerly Invitae), Labcorp).

NM_000059.4(BRCA2):c.1756A>T (p.Lys586Ter)

Gene: BRCA2 (BRCA2 DNA repair associated; plus strand). Cytogenetic location: 13q13.1.
Variant type: single nucleotide variant.
Coding change: c.1756A>T on transcript NM_000059.4 (MANE Select); coding-DNA position 1756, A replaced by T.
Protein change: p.Lys586Ter; replaces lysine 586 with a stop codon.
Molecular consequence: nonsense.
Genome position (GRCh38, 1-based): chr13:32,333,234, A>T. VCF-style: chr13-32333234-A-T. GRCh37 (hg19) VCF-style: chr13-32907371-A-T.
Other names: short protein forms K586*.
Identifiers: ClinVar variation 231643 (VCV000231643.16), dbSNP rs397507275, ClinGen allele CA10579503.